The following is an entry in ClinVar:

ClinVar aggregate classification (germline): Uncertain significance (1 of 4 stars; one submission).

Conditions:
POLD1-related polyposis and colorectal cancer syndrome (CRCS10). Also called: Colorectal cancer 10; COLORECTAL CANCER, SUSCEPTIBILITY TO, ON CHROMOSOME 19q; Colorectal cancer, susceptibility to, 10. Identifiers: Orphanet 220460, MedGen C2675481, MONDO:0012953, OMIM 612591.

gnomAD v4.1: 1 of 1,613,422 alleles (0.000062%); no homozygotes.

Submission:

Labcorp Genetics (formerly Invitae), Labcorp
Classification: Uncertain significance for POLD1-related polyposis and colorectal cancer syndrome. Last evaluated: 2025-04-07. Review status: criteria provided, single submitter. Criteria: Invitae Variant Classification Sherloc (09022015). Collection method: clinical testing. Allele origin: germline.
Comment: This sequence change replaces threonine, which is neutral and polar, with isoleucine, which is neutral and non-polar, at codon 884 of the POLD1 protein (p.Thr884Ile). This variant is not present in population databases (gnomAD no frequency). This variant has not been reported in the literature in individuals affected with POLD1-related conditions. ClinVar contains an entry for this variant (Variation ID: 2132949). Invitae Evidence Modeling of protein sequence and biophysical properties (such as structural, functional, and spatial information, amino acid conservation, physicochemical variation, residue mobility, and thermodynamic stability) indicates that this missense variant is expected to disrupt POLD1 protein function with a positive predictive value of 80%. In summary, the available evidence is currently insufficient to determine the role of this variant in disease. Therefore, it has been classified as a Variant of Uncertain Significance.

NM_002691.4(POLD1):c.2651C>T (p.Thr884Ile)

Gene: POLD1 (DNA polymerase delta 1, catalytic subunit; plus strand). Cytogenetic location: 19q13.33.
Variant type: single nucleotide variant.
Coding change: c.2651C>T on transcript NM_002691.4 (MANE Select); coding-DNA position 2651, C replaced by T.
Protein change: p.Thr884Ile; replaces threonine 884 with isoleucine.
Molecular consequence: missense variant. On other transcripts: non-coding transcript variant (1).
Genome position (GRCh38, 1-based): chr19:50,415,524, C>T. VCF-style: chr19-50415524-C-T. GRCh37 (hg19) VCF-style: chr19-50918781-C-T.
Other names: c.2651C>T, p.Thr884Ile (NM_001256849.1); c.2729C>T, p.Thr910Ile (NM_001308632.1); short protein forms T884I, T910I.
Identifiers: ClinVar variation 2132949 (VCV002132949.4), dbSNP rs2514054070, ClinGen allele CA406985554.